The following is an entry in ClinVar:

ClinVar aggregate classification (germline): Pathogenic (1 of 4 stars; one submission).

Conditions:
Ehlers-Danlos syndrome, kyphoscoliotic type 1 (EDSKSCL1). Also called: Ehlers-Danlos syndrome, hydroxylysine-deficient; EHLERS-DANLOS SYNDROME, OCULAR-SCOLIOTIC TYPE; EHLERS-DANLOS SYNDROME, TYPE VIA; PLOD1-Related Kyphoscoliotic Ehlers-Danlos Syndrome. Identifiers: Orphanet 1900, MedGen C0268342, MONDO:0016002, OMIM 225400. Disease mechanism: loss of function.

Submission:

Labcorp Genetics (formerly Invitae), Labcorp
Classification: Pathogenic for Ehlers-Danlos syndrome, kyphoscoliotic type 1. Last evaluated: 2025-10-14. Review status: criteria provided, single submitter. Criteria: Invitae Variant Classification Sherloc (09022015). Collection method: clinical testing. Allele origin: germline.
Comment: This sequence change creates a premature translational stop signal (p.Gln650*) in the PLOD1 gene. It is expected to result in an absent or disrupted protein product. Loss-of-function variants in PLOD1 are known to be pathogenic (PMID: 10874315, 21699693). This variant is not present in population databases (gnomAD no frequency). This variant has not been reported in the literature in individuals affected with PLOD1-related conditions. For these reasons, this variant has been classified as Pathogenic.

Literature cited by the submitters: PubMed 10874315; PubMed 21699693.

NM_000302.4(PLOD1):c.1948C>T (p.Gln650Ter)

Gene: PLOD1 (procollagen-lysine,2-oxoglutarate 5-dioxygenase 1; plus strand). Cytogenetic location: 1p36.22.
Variant type: single nucleotide variant.
Coding change: c.1948C>T on transcript NM_000302.4 (MANE Select); coding-DNA position 1948, C replaced by T.
Protein change: p.Gln650Ter; replaces glutamine 650 with a stop codon.
Molecular consequence: nonsense.
Genome position (GRCh38, 1-based): chr1:11,972,917, C>T. VCF-style: chr1-11972917-C-T. GRCh37 (hg19) VCF-style: chr1-12032974-C-T.
Other names: c.2089C>T, p.Gln697Ter (NM_001316320.2); short protein forms Q650*, Q697*.
Identifiers: ClinVar variation 4729217 (VCV004729217.1).